The following is an entry in ClinVar:

NM_005120.3(MED12):c.5324C>T (p.Ala1775Val)

Gene: MED12 (mediator complex subunit 12; plus strand). Cytogenetic location: Xq13.1.
Variant type: single nucleotide variant.
Coding change: c.5324C>T on transcript NM_005120.3 (MANE Select); coding-DNA position 5324, C replaced by T.
Protein change: p.Ala1775Val; replaces alanine 1775 with valine.
Molecular consequence: missense variant.
Genome position (GRCh38, 1-based): chrX:71,136,579, C>T. VCF-style: chrX-71136579-C-T. GRCh37 (hg19) VCF-style: chrX-70356429-C-T.
Other names: short protein forms A1775V.
Identifiers: ClinVar variation 4707540 (VCV004707540.1).
Genomic context (GRCh38, chrX:71,136,579, plus strand): 5'-CCCTGCTAGAGCCTGAGAAAAAGGCTCCAGAGCCCCCCAAAACTGACAAACCGGGGGCTG[C>T]TCCACCCAGTACTGAGGAACGCAAGAAGAAGTCCACCAAGGGCAAGAAACGCAGCCAGCC-3'
Protein context (NP_005111.2, residues 1765-1785): EPPKTDKPGA[Ala1775Val]PPSTEERKKK

ClinVar aggregate classification (germline): Uncertain significance (1 of 4 stars; one submission).

Conditions:
FG syndrome (FGS). Identifiers: MedGen C0220769, MONDO:0002010.

gnomAD v4.1: 1 of 1,203,145 alleles (0.000083%); no homozygotes.

Submission:

Labcorp Genetics (formerly Invitae), Labcorp
Classification: Uncertain significance for FG syndrome. Last evaluated: 2025-04-17. Review status: criteria provided, single submitter. Criteria: Invitae Variant Classification Sherloc (09022015). Collection method: clinical testing. Allele origin: germline.
Comment: This sequence change replaces alanine, which is neutral and non-polar, with valine, which is neutral and non-polar, at codon 1775 of the MED12 protein (p.Ala1775Val). This variant is not present in population databases (gnomAD no frequency). This variant has not been reported in the literature in individuals affected with MED12-related conditions. Invitae Evidence Modeling of protein sequence and biophysical properties (such as structural, functional, and spatial information, amino acid conservation, physicochemical variation, residue mobility, and thermodynamic stability) indicates that this missense variant is not expected to disrupt MED12 protein function with a negative predictive value of 95%. In summary, the available evidence is currently insufficient to determine the role of this variant in disease. Therefore, it has been classified as a Variant of Uncertain Significance.